The following is an entry in ClinVar:

NM_006015.6(ARID1A):c.3044G>T (p.Gly1015Val)

Gene: ARID1A (AT-rich interaction domain 1A; plus strand). Cytogenetic location: 1p36.11.
Variant type: single nucleotide variant.
Coding change: c.3044G>T on transcript NM_006015.6 (MANE Select); coding-DNA position 3044, G replaced by T.
Protein change: p.Gly1015Val; replaces glycine 1015 with valine.
Molecular consequence: missense variant.
Genome position (GRCh38, 1-based): chr1:26,767,845, G>T. VCF-style: chr1-26767845-G-T. GRCh37 (hg19) VCF-style: chr1-27094336-G-T.
Other names: c.3044G>T, p.Gly1015Val (NM_139135.4); short protein forms G1015V.
Identifiers: ClinVar variation 3376396 (VCV003376396.1).

ClinVar aggregate classification (germline): Likely pathogenic (1 of 4 stars; one submission).

Conditions:
Intellectual disability, autosomal dominant 14 (CSS2). Also called: COFFIN-SIRIS SYNDROME 2. Identifiers: Orphanet 1465, MedGen C3553247, MONDO:0013819, OMIM 614607.

Submission:

Pittsburgh Clinical Genomics Laboratory, University of Pittsburgh Medical Center
Classification: Likely pathogenic for Intellectual disability, autosomal dominant 14. Last evaluated: 2023-11-21. Review status: criteria provided, single submitter. Criteria: ACMG Guidelines, 2015. Collection method: clinical testing. Allele origin: germline. Inheritance: Autosomal dominant inheritance. Affected: yes.
Comment: This sequence variant is a single nucleotide substitution (G>T) at position 3044 of the coding sequence of the ARID1A gene that results in a glycine to valine amino acid change at residue 1015 of the AT-rich interaction domain 1A protein. This novel variant is absent from ClinVar, publications, and the gnomAD v4.0.0 population database (0/~1614000 alleles). Multiple bioinformatic tools predict that this glycine to valine amino acid change would be damaging, and the Gly1015 residue at this position is highly conserved across the vertebrate species examined. Studies examining the functional consequence of this variant have not been performed, to our knowledge. Based upon the evidence, we consider this variant to be likely pathogenic. ACMG Criteria: BP1, PM2, PP3, PS2